The following is an entry in ClinVar:

NM_138554.5(TLR4):c.2191C>T (p.Arg731Ter)

Gene: TLR4 (toll like receptor 4; plus strand). Cytogenetic location: 9q33.1.
Variant type: single nucleotide variant.
Coding change: c.2191C>T on transcript NM_138554.5 (MANE Select); coding-DNA position 2191, C replaced by T.
Protein change: p.Arg731Ter; replaces arginine 731 with a stop codon.
Molecular consequence: nonsense.
Genome position (GRCh38, 1-based): chr9:117,714,319, C>T. VCF-style: chr9-117714319-C-T. GRCh37 (hg19) VCF-style: chr9-120476597-C-T.
Other names: c.2071C>T, p.Arg691Ter (NM_003266.4); c.1591C>T, p.Arg531Ter (NM_138557.3); short protein forms R531*, R691*, R731*.
Identifiers: ClinVar variation 4880099 (VCV004880099.1).
Genomic context (GRCh38, chr9:117,714,319, plus strand): 5'-GACTTTATTCCCGGTGTGGCCATTGCTGCCAACATCATCCATGAAGGTTTCCATAAAAGC[C>T]GAAAGGTGATTGTTGTGGTGTCCCAGCACTTCATCCAGAGCCGCTGGTGTATCTTTGAAT-3'

ClinVar aggregate classification (germline): Uncertain significance (1 of 4 stars; one submission).

Conditions:
Primary ciliary dyskinesia. Also called: Ciliary dyskinesia. Identifiers: Orphanet 244, MedGen C0008780, MONDO:0016575, HP:0012265.

Submission:

Department of Human Genetics, Hannover Medical School
Classification: Uncertain significance for Primary Ciliary Dyskinesia. Last evaluated: 2026-04-01. Review status: criteria provided, single submitter. Criteria: ACMG Guidelines, 2015. Collection method: research. Allele origin: germline. Affected: no.
Comment: Classification performed by HerediClassify using the following criteria:['PM2_supporting: Variant occures does not occur as homozygous in gnomAD.', 'PVS1_protein_strong: Transcript ENST00000355622 is not predicted to undergo NMD. Protein length change of 0.1299165673420739 observed.']